The following is an entry in ClinVar:

ClinVar aggregate classification (germline): Conflicting classifications of pathogenicity. Review status: criteria provided, conflicting classifications (1 of 4 stars). 2 submissions from 2 submitters: Uncertain significance (1); Likely benign (1). Last evaluated 2021-07-17.

Conditions:
Neurofibromatosis, type 1 (NF1). Also called: VON RECKLINGHAUSEN DISEASE; NEUROFIBROMATOSIS, TYPE I, SOMATIC; Peripheral type neurofibromatosis; Neurofibromatosis, type I. Identifiers: Orphanet 636, MedGen C0027831, MONDO:0018975, OMIM 162200. Disease mechanism: loss of function.

Submissions (2):

Labcorp Genetics (formerly Invitae), Labcorp
Classification: Likely benign for Neurofibromatosis, type 1. Last evaluated: 2021-07-17. Review status: criteria provided, single submitter. Criteria: Invitae Variant Classification Sherloc (09022015). Collection method: clinical testing. Allele origin: germline.

GeneDx
Classification: Uncertain significance. Last evaluated: 2020-10-28. Review status: criteria provided, single submitter. Criteria: GeneDx Variant Classification Process June 2021. Collection method: clinical testing. Allele origin: germline. Affected: yes.
Comment: Not observed in large population cohorts (Lek et al., 2016); In silico analysis supports that this variant does not alter splicing; Has not been previously published as pathogenic or benign to our knowledge

NM_001042492.3(NF1):c.8469G>A (p.Lys2823=)

Gene: NF1 (neurofibromin 1; plus strand). Cytogenetic location: 17q11.2.
Variant type: single nucleotide variant.
Coding change: c.8469G>A on transcript NM_001042492.3 (MANE Select); coding-DNA position 8469, G replaced by A.
Protein change: p.Lys2823=; no amino-acid change (lysine 2823 retained).
Molecular consequence: synonymous variant.
Genome position (GRCh38, 1-based): chr17:31,374,104, G>A. VCF-style: chr17-31374104-G-A. GRCh37 (hg19) VCF-style: chr17-29701122-G-A.
Other names: c.8406G>A, p.Lys2802= (NM_000267.4).
Identifiers: ClinVar variation 1141489 (VCV001141489.9), dbSNP rs1203883572, ClinGen allele CA499354158.